The following is an entry in ClinVar:

ClinVar aggregate classification (germline): Uncertain significance (1 of 4 stars; one submission).

gnomAD v4.1: 8 of 1,614,076 alleles (0.0005%); highest among the groups gnomAD compares: South Asian, 0.0088%; no homozygotes.

Submission:

Labcorp Genetics (formerly Invitae), Labcorp
Classification: Uncertain significance. Last evaluated: 2021-12-08. Review status: criteria provided, single submitter. Criteria: Invitae Variant Classification Sherloc (09022015). Collection method: clinical testing. Allele origin: germline.
Comment: This sequence change replaces alanine, which is neutral and non-polar, with valine, which is neutral and non-polar, at codon 85 of the UPB1 protein (p.Ala85Val). This variant is not present in population databases (gnomAD no frequency). This variant has not been reported in the literature in individuals affected with UPB1-related conditions. Algorithms developed to predict the effect of missense changes on protein structure and function are either unavailable or do not agree on the potential impact of this missense change (SIFT: "Deleterious"; PolyPhen-2: "Benign"; Align-GVGD: "Class C0"). In summary, the available evidence is currently insufficient to determine the role of this variant in disease. Therefore, it has been classified as a Variant of Uncertain Significance.

NM_016327.3(UPB1):c.254C>T (p.Ala85Val)

Gene: UPB1 (beta-ureidopropionase 1; plus strand). Cytogenetic location: 22q11.23.
Variant type: single nucleotide variant.
Coding change: c.254C>T on transcript NM_016327.3 (MANE Select); coding-DNA position 254, C replaced by T.
Protein change: p.Ala85Val; replaces alanine 85 with valine.
Molecular consequence: missense variant.
Genome position (GRCh38, 1-based): chr22:24,500,256, C>T. VCF-style: chr22-24500256-C-T. GRCh37 (hg19) VCF-style: chr22-24896224-C-T.
Other names: short protein forms A85V.
Identifiers: ClinVar variation 2132572 (VCV002132572.4), dbSNP rs34035085, ClinGen allele CA10153051.